The following is an entry in ClinVar:

NM_007294.4(BRCA1):c.4204C>T (p.His1402Tyr)

Gene: BRCA1 (BRCA1 DNA repair associated; minus strand). Cytogenetic location: 17q21.31.
Variant type: single nucleotide variant.
Coding change: c.4204C>T on transcript NM_007294.4 (MANE Select); coding-DNA position 4204, C replaced by T.
Protein change: p.His1402Tyr; replaces histidine 1402 with tyrosine.
Molecular consequence: missense variant. On other transcripts: non-coding transcript variant (1).
Genome position (GRCh38, 1-based): chr17:43,082,557, G>A on the plus strand (C>T on the coding strand, the complement: BRCA1 is on the minus strand). VCF-style: chr17-43082557-G-A. GRCh37 (hg19) VCF-style: chr17-41234574-G-A.
Other names: p.H1402Y:CAT>TAT; 4323C>T; c.3991C>T, p.His1331Tyr (NM_001407571.1, NM_001407907.1, NM_001407908.1 and 12 more transcripts); c.4204C>T, p.His1402Tyr (NM_001407581.1, NM_001407582.1, NM_001407583.1 and 23 more transcripts); c.4201C>T, p.His1401Tyr (NM_001407587.1, NM_001407590.1, NM_001407591.1 and 21 more transcripts); c.4198C>T, p.His1400Tyr (NM_001407632.1, NM_001407627.1, NM_001407628.1 and 5 more transcripts); c.4126C>T, p.His1376Tyr (NM_001407654.1, NM_001407655.1, NM_001407657.1 and 2 more transcripts); c.4123C>T, p.His1375Tyr (NM_001407656.1, NM_001407661.1, NM_001407662.1 and 1 more transcripts); and 53 more; short protein forms H1402Y, H299Y, H1355Y, H1233Y, H1275Y, H1289Y, H1312Y, H1314Y.
Identifiers: ClinVar variation 55140 (VCV000055140.70), dbSNP rs80357365, ClinGen allele CA002707.

ClinVar aggregate classification (germline): Benign. Review status: reviewed by expert panel (3 of 4 stars). 15 submissions from 15 submitters: Benign (1). 14 of the submissions do not count toward it. Last evaluated 2015-08-10.

Conditions:
BRCA1-related cancer predisposition. Identifiers: MedGen CN377757, MONDO:0700268.
BRCA1-related disorder. Also called: BRCA1-related condition.
Hereditary cancer-predisposing syndrome. Also called: Hereditary Cancer Syndrome; Tumor predisposition; Neoplastic Syndromes, Hereditary; Hereditary neoplastic syndrome. Identifiers: Orphanet 140162, MedGen C0027672, MeSH D009386, MONDO:0015356.
Hereditary breast ovarian cancer syndrome. Also called: Breast and ovarian cancer; BRCA1- and BRCA2-Associated Hereditary Breast and Ovarian Cancer; Hereditary breast and ovarian cancer; Hereditary breast and ovarian cancer syndrome (HBOC); Hereditary breast and ovarian cancer syndrome; Hereditary breast and/or ovarian cancer syndrome. Identifiers: Orphanet 145, MedGen C0677776, MeSH D061325, MONDO:0003582. Disease mechanism: loss of function.
Breast-ovarian cancer, familial, susceptibility to, 1 (BROVCA1). Also called: BRCA1 Hereditary Breast and Ovarian Cancer; OVARIAN CANCER, SUSCEPTIBILITY TO. Identifiers: Orphanet 145, MedGen C2676676, MONDO:0011450, OMIM 604370. Disease mechanism: loss of function.

Allele frequency attached by ClinVar (database versions not stated): gnomAD exomes below 0.00001 and 0.00003; gnomAD 0.00001; TOPMed 0.00003.
gnomAD v4.1: 45 of 1,614,020 alleles (0.0028%); highest among the groups gnomAD compares: Non-Finnish European, 0.0035%; no homozygotes.

Submissions (15):

Evidence-based Network for the Interpretation of Germline Mutant Alleles (ENIGMA)
Classification: Benign for Breast-ovarian cancer, familial 1. Last evaluated: 2015-08-10. Review status: reviewed by expert panel. Criteria: ENIGMA BRCA1/2 Classification Criteria (2015). Collection method: curation. Allele origin: germline.
Comment: IARC class based on posterior probability from multifactorial likelihood analysis, thresholds for class as per Plon et al. 2008 (PMID: 18951446). Class 1 based on posterior probability = 0.000187

Labcorp Genetics (formerly Invitae), Labcorp
Classification: Benign for Hereditary breast ovarian cancer syndrome. Last evaluated: 2025-11-04. Review status: criteria provided, single submitter. Criteria: Invitae Variant Classification Sherloc (09022015). Collection method: clinical testing. Allele origin: germline. Not counted in ClinVar's aggregate classification.

Center for Genomic Medicine, Rigshospitalet, Copenhagen University Hospital
Classification: Benign. Last evaluated: 2025-03-04. Review status: criteria provided, single submitter. Criteria: ACMG Guidelines, 2015. Collection method: clinical testing. Allele origin: germline. Not counted in ClinVar's aggregate classification.

All of Us Research Program, National Institutes of Health
Classification: Likely benign for BRCA1-related cancer predisposition. Last evaluated: 2024-07-20. Review status: criteria provided, single submitter. Criteria: ACMG Guidelines, 2015. Collection method: clinical testing. Allele origin: germline. Inheritance: Autosomal dominant inheritance. Observed: 7 variant alleles, 7 heterozygotes. Not counted in ClinVar's aggregate classification.
Comment: This study involves interpretation of variants in research participants for the purpose of population health screening. Participant phenotype was not available at the time of variant classification. Additional details can be found in publication PMID: 35346344, PMCID: PMC8962531

ARUP Laboratories, Molecular Genetics and Genomics, ARUP Laboratories
Classification: Likely benign. Last evaluated: 2022-12-28. Review status: criteria provided, single submitter. Criteria: ARUP Molecular Germline Variant Investigation Process 2024. Collection method: clinical testing. Allele origin: germline. Not counted in ClinVar's aggregate classification.

Women's Health and Genetics/Laboratory Corporation of America, LabCorp
Classification: Benign. Last evaluated: 2019-08-16. Review status: criteria provided, single submitter. Criteria: LabCorp Variant Classification Summary - May 2015. Collection method: clinical testing. Allele origin: germline. Not counted in ClinVar's aggregate classification.
Comment: Variant summary: BRCA1 c.4204C>T (p.His1402Tyr) results in a conservative amino acid change in the encoded protein sequence. Four of five in-silico tools predict a benign effect of the variant on protein function. The variant allele was found at a frequency of 4e-06 in 252354 control chromosomes (gnomAD). The available data on variant occurrences in the general population are insufficient to allow any conclusion about variant significance. The variant, c.4204C>T, has been reported in the literature in individuals affected with breast cancer (Eng_2001, Hondow_2011). These reports do not provide unequivocal conclusions about association of the variant with Hereditary Breast and Ovarian Cancer. Co-occurrences with other pathogenic variants have been reported (BRCA1 c.5263_5264insC, p.Ser1755?fs; BRCA2 c.8167G>C, p.Asp2723His; PMS2 c.137G>T, p.Ser46Ile; BRCA1 c.5266dupC, p.Gln1756fsX74), providing supporting evidence for a benign role. One functional assay suggests that BRCA1-H1402Y may have a reduced ability to enhance TCDD induced expression from a reporter plasmid carrying the XRE from the promoter of the CYP1A1 gene, but the activity is ~80% of WT (Kang, 2008), which may not have a major impact in vivo. Additionally, most functional assays show that its interaction with AhR is not hampered (Kang, 2008), nor is BRCA1 transciptional activation (Carvalho, 2007; Phelan, 2005; Hu, 2002) indicating neutrality. In addition, multifactorial probability models, performing systematic assessments of variants of unknown significance in the BRCA genes, which included analysis of co-occurrence in trans with known deleterious mutations, personal and family history of cancer, tumor pathology and co-segregation with disease in pedigrees, predicted this variant to be neutral (Easton_2007 and Lindor_2012). Five ClinVar submissions (evaluation after 2014) classified the variant as likely benign (3x) and benign (2x, including one expert panel-ENIGMA). Based on the evidence outlined above, the variant was classified as benign.

GeneDx
Classification: Likely benign. Last evaluated: 2018-08-27. Review status: criteria provided, single submitter. Criteria: GeneDx Variant Classification Process June 2021. Collection method: clinical testing. Allele origin: germline. Affected: yes. Not counted in ClinVar's aggregate classification.
Comment: This variant is associated with the following publications: (PMID: 21702907, 17924331, 15689452, 21990134, 17308087, 12080089, 15235020, 22753008, 16267036, 18992264, 11748305)

Institute for Biomarker Research, Medical Diagnostic Laboratories, L.L.C.
Classification: Likely benign for Hereditary cancer-predisposing syndrome. Last evaluated: 2018-05-23. Review status: criteria provided, single submitter. Criteria: ACMG Guidelines, 2015. Collection method: clinical testing. Allele origin: germline. Not counted in ClinVar's aggregate classification.

CeGaT Center for Human Genetics Tuebingen
Classification: Likely benign. Last evaluated: 2018-01-01. Review status: criteria provided, single submitter. Criteria: CeGaT Center For Human Genetics Tuebingen Variant Classification Criteria Version 2. Collection method: clinical testing. Allele origin: germline. Affected: yes. Observed: 1 variant allele. Not counted in ClinVar's aggregate classification.

Color Diagnostics, LLC DBA Color Health
Classification: Likely benign for Hereditary cancer-predisposing syndrome. Last evaluated: 2017-06-19. Review status: criteria provided, single submitter. Criteria: ACMG Guidelines, 2015. Collection method: clinical testing. Allele origin: germline. Not counted in ClinVar's aggregate classification.

Ambry Genetics
Classification: Benign for Hereditary cancer-predisposing syndrome. Last evaluated: 2014-11-18. Review status: criteria provided, single submitter. Criteria: Ambry Variant Classification Scheme 2023. Collection method: clinical testing. Allele origin: germline. Not counted in ClinVar's aggregate classification.

PreventionGenetics, part of Exact Sciences
Classification: Benign for BRCA1-related condition. Last evaluated: 2020-10-04. Review status: no assertion criteria provided. Collection method: clinical testing. Allele origin: germline. Not counted in ClinVar's aggregate classification.
Comment: This variant is classified as benign based on ACMG/AMP sequence variant interpretation guidelines (Richards et al. 2015 PMID: 25741868, with internal and published modifications).

Counsyl
Classification: Likely benign for Breast-ovarian cancer, familial 1. Last evaluated: 2014-09-18. Review status: no assertion criteria provided. Collection method: literature only. Allele origin: unknown. Inheritance: Autosomal dominant inheritance. Not counted in ClinVar's aggregate classification.

Sharing Clinical Reports Project (SCRP)
Classification: Benign for Breast-ovarian cancer, familial 1. Last evaluated: 2010-09-08. Review status: no assertion criteria provided. Collection method: clinical testing. Allele origin: germline. Not counted in ClinVar's aggregate classification.

Breast Cancer Information Core (BIC) (BRCA1)
Classification: Uncertain significance for Breast-ovarian cancer, familial 1. Last evaluated: 1999-04-13. Review status: no assertion criteria provided. Collection method: clinical testing. Allele origin: germline. Affected: yes. Observed: 3 variant alleles. Not counted in ClinVar's aggregate classification.

Literature cited by the submitters: PubMed 21990134 (cited by Evidence-based Network for the Interpretation of Germline Mutant Alleles (ENIGMA) and Women's Health and Genetics/Laboratory Corporation of America, LabCorp); PubMed 16267036 (cited by Women's Health and Genetics/Laboratory Corporation of America, LabCorp and Counsyl); PubMed 15235020 (cited by Women's Health and Genetics/Laboratory Corporation of America, LabCorp); PubMed 15689452 (cited by Women's Health and Genetics/Laboratory Corporation of America, LabCorp); PubMed 17924331 (cited by Women's Health and Genetics/Laboratory Corporation of America, LabCorp and Counsyl); PubMed 17308087 (cited by Women's Health and Genetics/Laboratory Corporation of America, LabCorp and Counsyl); PubMed 11748305 (cited by Women's Health and Genetics/Laboratory Corporation of America, LabCorp); PubMed 22753008 (cited by Women's Health and Genetics/Laboratory Corporation of America, LabCorp); PubMed 21702907 (cited by Women's Health and Genetics/Laboratory Corporation of America, LabCorp and Counsyl); PubMed 18992264 (cited by Women's Health and Genetics/Laboratory Corporation of America, LabCorp); PubMed 12080089 (cited by Women's Health and Genetics/Laboratory Corporation of America, LabCorp and Counsyl); PubMed 18259752 (cited by Women's Health and Genetics/Laboratory Corporation of America, LabCorp).